The following is an entry in ClinVar:

ClinVar aggregate classification (germline): Uncertain significance (0 of 4 stars; one submission).

Conditions:
TAF1-related disorder. Also called: TAF1-related condition.

Submission:

PreventionGenetics, part of Exact Sciences
Classification: Uncertain significance for TAF1-related condition. Last evaluated: 2024-06-21. Review status: no assertion criteria provided. Collection method: clinical testing. Allele origin: germline.
Comment: The TAF1 c.1805G>T variant is predicted to result in the amino acid substitution p.Arg602Leu. To our knowledge, this variant has not been reported in the literature or in a large population database, indicating this variant is rare. At this time, the clinical significance of this variant is uncertain due to the absence of conclusive functional and genetic evidence.

NM_004606.5(TAF1):c.1745G>T (p.Arg582Leu)

Gene: TAF1 (TATA-box binding protein associated factor 1; plus strand). Cytogenetic location: Xq13.1.
Variant type: single nucleotide variant.
Coding change: c.1745G>T on transcript NM_004606.5 (MANE Select); coding-DNA position 1745, G replaced by T.
Protein change: p.Arg582Leu; replaces arginine 582 with leucine.
Molecular consequence: missense variant. On other transcripts: non-coding transcript variant (9).
Genome position (GRCh38, 1-based): chrX:71,382,840, G>T. VCF-style: chrX-71382840-G-T. GRCh37 (hg19) VCF-style: chrX-70602690-G-T.
Other names: c.1745G>T, p.Arg582Leu (NM_001286074.2); c.1682G>T, p.Arg561Leu (NM_138923.4); short protein forms R561L, R582L.
Identifiers: ClinVar variation 3345440 (VCV003345440.1).
Genomic context (GRCh38, chrX:71,382,840, plus strand): 5'-TGAAAGATCCATGGAATCTCTCCAATGATGAGTATTATTATCCCAAGCAACAGGGTCTTC[G>T]AGGCACCTTTGGAGGGAATATTATCCAGGTACAAATAGTGTCTTTTCTGTGATAGAGGAG-3'
Protein context (NP_004597.3, residues 572-592): EYYYPKQQGL[Arg582Leu]GTFGGNIIQH